The following is an entry in ClinVar:

ClinVar aggregate classification (germline): Uncertain significance (1 of 4 stars; one submission).

Conditions:
Ehlers-Danlos syndrome, type 4 (EDSVASC). Also called: Ehlers-Danlos Syndrome Type IV; Ehlers-Danlos syndrome vascular type; Ehlers Danlos syndrome, ecchymotic type; Ehlers Danlos syndrome, arterial type; Ehlers Danlos syndrome, Sack-Barabas type. Identifiers: Orphanet 286, MedGen C0268338, MONDO:0017314, OMIM 130050.

Submission:

All of Us Research Program, National Institutes of Health
Classification: Uncertain significance for Ehlers-Danlos syndrome, type 4. Last evaluated: 2023-12-13. Review status: criteria provided, single submitter. Criteria: ACMG Guidelines, 2015. Collection method: clinical testing. Allele origin: germline. Inheritance: Autosomal dominant inheritance. Observed: 1 variant allele, 1 heterozygote.
Comment: This missense variant replaces arginine with lysine at codon 761 of the COL3A1 protein. Computational prediction suggests that this variant may not impact protein structure and function (internally defined REVEL score threshold <= 0.5, PMID: 27666373). To our knowledge, functional studies have not been reported for this variant. This variant has not been reported in individuals affected with COL3A1-related disorders in the literature. This variant has not been identified in the general population by the Genome Aggregation Database (gnomAD). The available evidence is insufficient to determine the role of this variant in disease conclusively. Therefore, this variant is classified as a Variant of Uncertain Significance.

This study involves interpretation of variants in research participants for the purpose of population health screening. Participant phenotype was not available at the time of variant classification. Additional details can be found in publication PMID: 35346344, PMCID: PMC8962531

NM_000090.4(COL3A1):c.2282G>A (p.Arg761Lys)

Gene: COL3A1 (collagen type III alpha 1 chain; plus strand). Cytogenetic location: 2q32.2.
Variant type: single nucleotide variant.
Coding change: c.2282G>A on transcript NM_000090.4 (MANE Select); coding-DNA position 2282, G replaced by A.
Protein change: p.Arg761Lys; replaces arginine 761 with lysine.
Molecular consequence: missense variant.
Genome position (GRCh38, 1-based): chr2:188,999,894, G>A. VCF-style: chr2-188999894-G-A. GRCh37 (hg19) VCF-style: chr2-189864620-G-A.
Other names: short protein forms R761K.
Identifiers: ClinVar variation 3074788 (VCV003074788.1), dbSNP rs1425572449, ClinGen allele CA349841211.